The following is an entry in ClinVar:

NM_000038.6(APC):c.2871G>A (p.Lys957=)

Gene: APC (APC regulator of Wnt signaling pathway; plus strand). Cytogenetic location: 5q22.2.
Variant type: single nucleotide variant.
Coding change: c.2871G>A on transcript NM_000038.6 (MANE Select); coding-DNA position 2871, G replaced by A.
Protein change: p.Lys957=; no amino-acid change (lysine 957 retained).
Molecular consequence: synonymous variant. On other transcripts: non-coding transcript variant (2).
Genome position (GRCh38, 1-based): chr5:112,838,465, G>A. VCF-style: chr5-112838465-G-A. GRCh37 (hg19) VCF-style: chr5-112174162-G-A.
Other names: c.2871G>A, p.Lys957= (NM_001127510.3, NM_001354895.2, NM_001407450.1); c.2817G>A, p.Lys939= (NM_001127511.3); c.2925G>A, p.Lys975= (NM_001354896.2, NM_001407447.1, NM_001407448.1 and 1 more transcripts); c.2901G>A, p.Lys967= (NM_001354897.2); c.2796G>A, p.Lys932= (NM_001354898.2); c.2787G>A, p.Lys929= (NM_001354899.2); c.2748G>A, p.Lys916= (NM_001354900.2); c.2694G>A, p.Lys898= (NM_001354901.2, NM_001407453.1); and 11 more.
Identifiers: ClinVar variation 1797059 (VCV001797059.3), dbSNP rs1765285772, ClinGen allele CA445963043.
Genomic context (GRCh38, chr5:112,838,465, plus strand): 5'-CACTAAGTCGGAAAATTCAAATAGGACATGTTCTATGCCTTATGCCAAATTAGAATACAA[G>A]AGATCTTCAAATGATAGTTTAAATAGTGTCAGTAGTAGTGATGGTTATGGTAAAAGAGGT-3'
Protein context (NP_000029.2, residues 947-967): CSMPYAKLEY[Lys957=]RSSNDSLNSV

ClinVar aggregate classification (germline): Benign/Likely benign. Review status: criteria provided, multiple submitters, no conflicts (2 of 4 stars). 4 submissions from 4 submitters: Benign (1); Likely benign (3). Last evaluated 2025-12-23.

Conditions:
Hereditary cancer-predisposing syndrome. Also called: Tumor predisposition; Hereditary Cancer Syndrome; Neoplastic Syndromes, Hereditary; Hereditary neoplastic syndrome. Identifiers: Orphanet 140162, MedGen C0027672, MeSH D009386, MONDO:0015356.
Familial adenomatous polyposis 1 (FAP1). Also called: FAMILIAL ADENOMATOUS POLYPOSIS 1, ATTENUATED; POLYPOSIS, ADENOMATOUS INTESTINAL. Identifiers: MedGen C2713442, MONDO:0021056, OMIM 175100. Disease mechanism: loss of function.

Submissions (4):

Labcorp Genetics (formerly Invitae), Labcorp
Classification: Likely benign for Familial adenomatous polyposis 1. Last evaluated: 2025-12-23. Review status: criteria provided, single submitter. Criteria: Invitae Variant Classification Sherloc (09022015). Collection method: clinical testing. Allele origin: germline.

Color Diagnostics, LLC DBA Color Health
Classification: Likely benign for Hereditary cancer-predisposing syndrome. Last evaluated: 2025-09-11. Review status: criteria provided, single submitter. Criteria: ACMG Guidelines, 2015. Collection method: clinical testing. Allele origin: germline.

Myriad Genetics, Inc.
Classification: Benign for Familial adenomatous polyposis 1. Last evaluated: 2024-03-15. Review status: criteria provided, single submitter. Criteria: Myriad Autosomal Dominant, Autosomal Recessive and X-Linked Classification Criteria (2023). Collection method: clinical testing. Allele origin: unknown.
Comment: This variant is considered benign. This variant is a silent/synonymous amino acid change and it is not expected to impact splicing.

Ambry Genetics
Classification: Likely benign for Hereditary cancer-predisposing syndrome. Last evaluated: 2021-08-02. Review status: criteria provided, single submitter. Criteria: Ambry Variant Classification Scheme 2023. Collection method: clinical testing. Allele origin: germline.